The following is an entry in ClinVar:

ClinVar aggregate classification (germline): Conflicting classifications of pathogenicity. Review status: criteria provided, conflicting classifications (1 of 4 stars). 8 submissions from 8 submitters: Uncertain significance (6); Likely benign (2). Last evaluated 2025-10-01.

Conditions:
Hereditary breast ovarian cancer syndrome. Also called: Breast and ovarian cancer; Hereditary breast and/or ovarian cancer syndrome; BRCA1- and BRCA2-Associated Hereditary Breast and Ovarian Cancer; Hereditary breast and ovarian cancer syndrome; Hereditary breast and ovarian cancer syndrome (HBOC); Hereditary breast and ovarian cancer. Identifiers: Orphanet 145, MedGen C0677776, MeSH D061325, MONDO:0003582. Disease mechanism: loss of function.
Breast-ovarian cancer, familial, susceptibility to, 1 (BROVCA1). Also called: BRCA1 Hereditary Breast and Ovarian Cancer; OVARIAN CANCER, SUSCEPTIBILITY TO. Identifiers: Orphanet 145, MedGen C2676676, MONDO:0011450, OMIM 604370. Disease mechanism: loss of function.
Hereditary cancer-predisposing syndrome. Also called: Tumor predisposition; Hereditary Cancer Syndrome; Hereditary neoplastic syndrome; Neoplastic Syndromes, Hereditary. Identifiers: Orphanet 140162, MedGen C0027672, MeSH D009386, MONDO:0015356.

Allele frequency attached by ClinVar (database versions not stated): gnomAD exomes below 0.00001 and 0.00001; ExAC 0.00001.
gnomAD v4.1: 5 of 1,613,814 alleles (0.00031%); highest among the groups gnomAD compares: Admixed American, 0.0017%; no homozygotes.

Submissions (8):

Quest Diagnostics Nichols Institute San Juan Capistrano
Classification: Uncertain significance. Last evaluated: 2025-10-01. Review status: criteria provided, single submitter. Criteria: Quest Diagnostics criteria. Collection method: clinical testing. Allele origin: unknown.
Comment: The BRCA1 c.2215A>G (p.Lys739Glu) variant has been reported in the published literature in individuals with a personal or family history of breast and/or ovarian cancer (PMIDs: 34284872 (2022), 36881271 (2023)), and is described to be located in a region of the BRCA1 gene that is tolerant to missense sequence changes (PMID: 31911673 (2020)). In a large-scale breast cancer association study, this variant has been observed in breast cancer cases as well as in reportedly unaffected individuals (PMID: 33471991 (2021), see also LOVD). The frequency of this variant in the general population (Genome Aggregation Database) is uninformative in the assessment of its pathogenicity. Analysis of this variant using bioinformatics tools for the prediction of the effect of amino acid changes on protein structure and function yielded predictions that this variant is benign. Based on the available information, we are unable to determine the clinical significance of this variant.

Labcorp Genetics (formerly Invitae), Labcorp
Classification: Uncertain significance for Hereditary breast ovarian cancer syndrome. Last evaluated: 2025-08-20. Review status: criteria provided, single submitter. Criteria: Invitae Variant Classification Sherloc (09022015). Collection method: clinical testing. Allele origin: germline.
Comment: This sequence change replaces lysine, which is basic and polar, with glutamic acid, which is acidic and polar, at codon 739 of the BRCA1 protein (p.Lys739Glu). This variant is present in population databases (rs56329598, gnomAD 0.003%). This missense change has been observed in individual(s) with personal and/or family history of breast or ovarian cancer (PMID: 34284872, 36881271). ClinVar contains an entry for this variant (Variation ID: 481479). Invitae Evidence Modeling of protein sequence and biophysical properties (such as structural, functional, and spatial information, amino acid conservation, physicochemical variation, residue mobility, and thermodynamic stability) indicates that this missense variant is not expected to disrupt BRCA1 protein function with a negative predictive value of 80%. In summary, the available evidence is currently insufficient to determine the role of this variant in disease. Therefore, it has been classified as a Variant of Uncertain Significance.

Color Diagnostics, LLC DBA Color Health
Classification: Uncertain significance for Hereditary cancer-predisposing syndrome. Last evaluated: 2024-11-05. Review status: criteria provided, single submitter. Criteria: ACMG Guidelines, 2015. Collection method: clinical testing. Allele origin: germline.
Comment: This missense variant replaces lysine with glutamic acid at codon 739 of the BRCA1 protein. Computational prediction suggests that this variant may not impact protein structure and function. To our knowledge, functional studies have not been reported for this variant. This variant has been detected in two individuals with personal and/or family history of breast and/or ovarian cancer (PMID: 34284872, 36881271), and this variant also has been detected in a breast cancer case-control meta-analysis in 1/60466 cases and 2/53461 unaffected individuals (PMID: 33471991; Leiden Open Variation Database DB-ID BRCA1_003076). This variant has been identified in 2/250926 chromosomes in the general population by the Genome Aggregation Database (gnomAD). The available evidence is insufficient to determine the role of this variant in disease conclusively. Therefore, this variant is classified as a Variant of Uncertain Significance.

Myriad Genetics, Inc.
Classification: Likely benign for Breast-ovarian cancer, familial, susceptibility to, 1. Last evaluated: 2024-09-26. Review status: criteria provided, single submitter. Criteria: Myriad Autosomal Dominant, Autosomal Recessive and X-Linked Classification Criteria (2023). Collection method: clinical testing. Allele origin: unknown.
Comment: This variant is considered likely benign. This variant is strongly associated with less severe personal and family histories of cancer, typical for individuals without pathogenic variants in this gene [PMID: 25085752].

Ambry Genetics
Classification: Uncertain significance for Hereditary cancer-predisposing syndrome. Last evaluated: 2024-09-04. Review status: criteria provided, single submitter. Criteria: Ambry Variant Classification Scheme 2023. Collection method: clinical testing. Allele origin: germline.
Comment: The p.K739E variant (also known as c.2215A>G), located in coding exon 9 of the BRCA1 gene, results from an A to G substitution at nucleotide position 2215. The lysine at codon 739 is replaced by glutamic acid, an amino acid with similar properties. This amino acid position is poorly conserved in available vertebrate species. In addition, the in silico prediction for this alteration is inconclusive. Based on the available evidence, the clinical significance of this variant remains unclear.

University of Washington Department of Laboratory Medicine, University of Washington
Classification: Likely benign for Hereditary cancer-predisposing syndrome. Last evaluated: 2023-03-23. Review status: criteria provided, single submitter. Criteria: Dines et al. (Genet Med. 2020). Collection method: curation. Allele origin: germline.
Comment: Missense variant in a coldspot region where missense variants are very unlikely to be pathogenic (PMID:31911673).

BRCA1 coldspot (exon 11 using historical exon numbering). Reclassification based on statistical prior probability

Genetic Services Laboratory, University of Chicago
Classification: Uncertain significance. Last evaluated: 2020-02-17. Review status: criteria provided, single submitter. Criteria: ACMG Guidelines, 2015. Collection method: clinical testing. Allele origin: germline. Affected: no.
Comment: DNA sequence analysis of the BRCA1 gene demonstrated a sequence change, c.2215A>G, in exon 10 that results in an amino acid change, p.Lys739Glu. This sequence change does not appear to have been previously described in patients with BRCA1-related disorders and has been described in the gnomAD database in two individuals (dbSNP rs56329598). The p.Lys739Glu change affects a poorly conserved amino acid residue located in a domain of the BRCA1 protein that is known to be functional. The p.Lys739Glu substitution appears to be benign using several in-silico pathogenicity prediction tools (SIFT, PolyPhen2, Align GVGD, REVEL). Due to the lack of functional studies, the clinical significance of the p.Lys739Glu change remains unknown at this time.

Women's Health and Genetics/Laboratory Corporation of America, LabCorp
Classification: Uncertain significance. Last evaluated: 2016-05-02. Review status: criteria provided, single submitter. Criteria: LabCorp Variant Classification Summary - May 2015. Collection method: clinical testing. Allele origin: germline.
Comment: Variant summary: The BRCA1 c.2215A>G variant affects a non-conserved nucleotide, resulting in an amino acid change from Lys to Glu. 4/4 in-silico tools predict a benign outcome for this variant (SNPs&GO not captured due to low reliability index). This variant was found in 1/121324 control chromosomes at a frequency of 0.0000082, which does not exceed maximal expected frequency of a pathogenic BRCA1 allele (0.0010005). The variant of interest has not, to our knowledge, been reported in affected individuals via publications and/or reputable databases/clinical laboratories; nor evaluated for functional impact by in vivo/vitro studies. Because of the absence of clinical information and the lack of functional studies, the variant was classified as a variant of uncertain significance (VUS) until additional information becomes available.

Literature cited by the submitters: PubMed 34284872 (cited by 3 submitters); PubMed 36881271 (cited by 3 submitters); PubMed 31911673 (cited by Quest Diagnostics Nichols Institute San Juan Capistrano); PubMed 33471991 (cited by Color Diagnostics, LLC DBA Color Health); PubMed 25085752 (cited by Myriad Genetics, Inc.).

NM_007294.4(BRCA1):c.2215A>G (p.Lys739Glu)

Gene: BRCA1 (BRCA1 DNA repair associated; minus strand). Cytogenetic location: 17q21.31.
Variant type: single nucleotide variant.
Coding change: c.2215A>G on transcript NM_007294.4 (MANE Select); coding-DNA position 2215, A replaced by G.
Protein change: p.Lys739Glu; replaces lysine 739 with glutamic acid.
Molecular consequence: missense variant. On other transcripts: intron variant (137).
Genome position (GRCh38, 1-based): chr17:43,093,316, T>C on the plus strand (A>G on the coding strand, the complement: BRCA1 is on the minus strand). VCF-style: chr17-43093316-T-C. GRCh37 (hg19) VCF-style: chr17-41245333-T-C.
Other names: c.2002A>G, p.Lys668Glu (NM_001407571.1, NM_001407915.1, NM_001407853.1 and 9 more transcripts); c.2215A>G, p.Lys739Glu (NM_001407581.1, NM_001407582.1, NM_001407583.1 and 30 more transcripts); c.2212A>G, p.Lys738Glu (NM_001407587.1, NM_001407610.1, NM_001407611.1 and 22 more transcripts); c.2089A>G, p.Lys697Glu (NM_001407649.1, NM_001407670.1, NM_001407671.1 and 11 more transcripts); c.2137A>G, p.Lys713Glu (NM_001407653.1, NM_001407654.1, NM_001407655.1 and 4 more transcripts); c.2134A>G, p.Lys712Glu (NM_001407659.1, NM_001407660.1, NM_001407661.1 and 1 more transcripts); c.2092A>G, p.Lys698Glu (NM_001407674.1, NM_001407675.1, NM_001407676.1 and 19 more transcripts); c.2074A>G, p.Lys692Glu (NM_001407692.1, NM_001407694.1, NM_001407695.1 and 29 more transcripts); and 41 more; short protein forms K739E, K692E, K627E, K628E, K668E, K691E, K698E, K650E.
Identifiers: ClinVar variation 481479 (VCV000481479.24), dbSNP rs56329598, ClinGen allele CA058738.